The following is an entry in ClinVar:

ClinVar aggregate classification (germline): Likely benign (1 of 4 stars; one submission).

Allele frequency attached by ClinVar (database versions not stated): gnomAD exomes 0.00001; TOPMed 0.00002; ExAC 0.00003; gnomAD 0.00006.
gnomAD v4.1: 28 of 1,563,848 alleles (0.0018%); highest among the groups gnomAD compares: Non-Finnish European, 0.0024%; no homozygotes.

Submission:

CeGaT Center for Human Genetics Tuebingen
Classification: Likely benign. Last evaluated: 2023-03-01. Review status: criteria provided, single submitter. Criteria: CeGaT Center For Human Genetics Tuebingen Variant Classification Criteria Version 2. Collection method: clinical testing. Allele origin: germline. Affected: yes. Observed: 1 variant allele.
Comment: RIPOR3: BP4, BP7

NM_001290268.2(RIPOR3):c.1215T>C (p.Pro405=)

Gene: RIPOR3 (RIPOR family member 3; minus strand). Cytogenetic location: 20q13.13.
Variant type: single nucleotide variant.
Coding change: c.1215T>C on transcript NM_001290268.2 (MANE Select); coding-DNA position 1215, T replaced by C.
Protein change: p.Pro405=; no amino-acid change (proline 405 retained).
Molecular consequence: synonymous variant. On other transcripts: non-coding transcript variant (1).
Genome position (GRCh38, 1-based): chr20:50,602,516, A>G on the plus strand (T>C on the coding strand, the complement: RIPOR3 is on the minus strand). VCF-style: chr20-50602516-A-G. GRCh37 (hg19) VCF-style: chr20-49219053-A-G.
Other names: c.1203T>C, p.Pro401= (NM_080829.4).
Identifiers: ClinVar variation 2652395 (VCV002652395.24), dbSNP rs771175438, ClinGen allele CA9907405.
Genomic context (GRCh38, chr20:50,602,516, plus strand): 5'-GGACGCCGACGTGCTGGTCTCCGTGTCTCGGGGGTCCTCAGAGCTGAAGGAGTCCATCTC[A>G]GGCAGCTCCTGACTCTGGCTTCTTAGGCTGGGACCCCGGAGGTCGCTGTCAGACAGGTAG-3'
Protein context (NP_001277197.1, residues 395-415): PSLRSQSQEL[Pro405=]EMDSFSSEDP